The following is an entry in ClinVar:

NM_000059.4(BRCA2):c.8219T>A (p.Leu2740Ter)

Gene: BRCA2 (BRCA2 DNA repair associated; plus strand). Cytogenetic location: 13q13.1.
Variant type: single nucleotide variant.
Coding change: c.8219T>A on transcript NM_000059.4 (MANE Select); coding-DNA position 8219, T replaced by A.
Protein change: p.Leu2740Ter; replaces leucine 2740 with a stop codon.
Molecular consequence: nonsense.
Genome position (GRCh38, 1-based): chr13:32,363,421, T>A. VCF-style: chr13-32363421-T-A. GRCh37 (hg19) VCF-style: chr13-32937558-T-A.
Other names: short protein forms L2740*.
Identifiers: ClinVar variation 9343 (VCV000009343.12), dbSNP rs80359070, ClinGen allele CA025524.
Genomic context (GRCh38, chr13:32,363,421, plus strand): 5'-AACTTACAGATGGGTGGTATGCTGTTAAGGCCCAGTTAGATCCTCCCCTCTTAGCTGTCT[T>A]AAAGAATGGCAGACTGACAGTTGGTCAGAAGATTATTCTTCATGGAGCAGAACTGGTGGG-3'

ClinVar aggregate classification (germline): Pathogenic. Review status: reviewed by expert panel (3 of 4 stars). 5 submissions from 5 submitters: Pathogenic (1). 4 of the submissions do not count toward it. Last evaluated 2016-09-08.

Conditions:
Fanconi anemia complementation group D1. Also called: BRCA2-Related Fanconi Anemia. Identifiers: Orphanet 319462, MedGen C1838457, MONDO:0011584, OMIM 605724.
Hereditary breast ovarian cancer syndrome. Also called: Hereditary breast and/or ovarian cancer syndrome; Hereditary breast and ovarian cancer syndrome (HBOC); Hereditary breast and ovarian cancer; Hereditary breast and ovarian cancer syndrome; Breast and ovarian cancer; BRCA1- and BRCA2-Associated Hereditary Breast and Ovarian Cancer. Identifiers: Orphanet 145, MedGen C0677776, MeSH D061325, MONDO:0003582. Disease mechanism: loss of function.
Breast-ovarian cancer, familial, susceptibility to, 2 (BROVCA2). Also called: BRCA2 Hereditary Breast and Ovarian Cancer. Identifiers: Orphanet 145, MedGen C2675520, MONDO:0012933, OMIM 612555. Disease mechanism: loss of function.

Submissions (5):

Evidence-based Network for the Interpretation of Germline Mutant Alleles (ENIGMA)
Classification: Pathogenic for Breast-ovarian cancer, familial, susceptibility to, 2. Last evaluated: 2016-09-08. Review status: reviewed by expert panel. Criteria: ENIGMA BRCA1/2 Classification Criteria (2015). Collection method: curation. Allele origin: germline.
Comment: Variant allele predicted to encode a truncated non-functional protein.

Labcorp Genetics (formerly Invitae), Labcorp
Classification: Pathogenic for Hereditary breast ovarian cancer syndrome. Last evaluated: 2019-10-24. Review status: criteria provided, single submitter. Criteria: Invitae Variant Classification Sherloc (09022015). Collection method: clinical testing. Allele origin: germline. Not counted in ClinVar's aggregate classification.
Comment: This variant is not present in population databases (ExAC no frequency). This variant has been observed in combination with another BRCA2 variant in individual(s) affected with Fanconi anemia (PMID: 14670928, 15004464). It has also been observed to segregate with disease in related individuals. This variant is also known as c.8447T>A in the literature. ClinVar contains an entry for this variant (Variation ID: 9343). Loss-of-function variants in BRCA2 are known to be pathogenic (PMID: 20104584). For these reasons, this variant has been classified as Pathogenic. This sequence change creates a premature translational stop signal (p.Leu2740*) in the BRCA2 gene. It is expected to result in an absent or disrupted protein product.

GeneDx
Classification: Pathogenic. Last evaluated: 2018-08-15. Review status: criteria provided, single submitter. Criteria: GeneDx Variant Classification (06012015). Collection method: clinical testing. Allele origin: germline. Affected: yes. Not counted in ClinVar's aggregate classification.
Comment: This variant is denoted BRCA2 c.8219T>A at the cDNA level and p.Leu2740Ter (L2740X) at the protein level. The substitution creates a nonsense variant, which changes a Leucine to a premature stop codon (TTA>TAA) , and is predicted to cause loss of normal protein function through either protein truncation or nonsense-mediated mRNA decay. This variant has been reported in a Fanconi anemia patient with a second truncating BRCA2 variant in trans (Popp 2003, Hirsch 2004) and is considered pathogenic.

OMIM
Classification: Pathogenic for FANCONI ANEMIA, COMPLEMENTATION GROUP D1. Last evaluated: 2004-04-01. Review status: no assertion criteria provided. Collection method: literature only. Allele origin: germline. Not counted in ClinVar's aggregate classification.

Breast Cancer Information Core (BIC) (BRCA2)
Classification: Pathogenic for Breast-ovarian cancer, familial 2. Last evaluated: 2003-12-23. Review status: no assertion criteria provided. Collection method: clinical testing. Allele origin: germline. Affected: yes. Observed: 1 variant allele. Not counted in ClinVar's aggregate classification.

Literature cited by the submitters: PubMed 14670928 (cited by Labcorp Genetics (formerly Invitae), Labcorp and OMIM); PubMed 15004464 (cited by Labcorp Genetics (formerly Invitae), Labcorp); PubMed 20104584 (cited by Labcorp Genetics (formerly Invitae), Labcorp).